The following is an entry in ClinVar:

ClinVar aggregate classification (germline): Likely pathogenic. Review status: criteria provided, multiple submitters, no conflicts (2 of 4 stars). 2 submissions from 2 submitters: Likely pathogenic (2). Last evaluated 2024-07-30.

Conditions:
Retinitis pigmentosa 12 (RP12). Also called: RP WITH OR WITHOUT PRESERVED PARAARTERIOLE RETINAL PIGMENT EPITHELIUM; RETINITIS PIGMENTOSA WITH OR WITHOUT PARAARTERIOLAR PRESERVATION OF RETINAL PIGMENT EPITHELIUM; RP WITH OR WITHOUT PPRPE. Identifiers: Orphanet 791, MedGen C1838647, MONDO:0010818, OMIM 600105.
Leber congenital amaurosis 8 (LCA8). Identifiers: Orphanet 65, MedGen C3151202, MONDO:0013453, OMIM 613835.

Submissions (2):

3billion
Classification: Likely pathogenic for Leber congenital amaurosis 8. Last evaluated: 2024-07-30. Review status: criteria provided, single submitter. Criteria: ACMG Guidelines, 2015. Collection method: clinical testing. Allele origin: germline. Affected: yes.
Comment: The variant is not observed in the gnomAD v2.1.1 dataset. in silico tool predictions suggest damaging effect of the variant on gene or gene product [REVEL: 0.91 (>=0.6); 3Cnet: 0.79 (>=0.6)]. Same nucleotide change resulting in same amino acid change has been previously reported to be associated with CRB1-related disorder (ClinVar ID: VCV001470081). Different missense changes at the same codon (p.Cys450Arg, p.Cys450Tyr) have been reported as pathogenic/likely pathogenic with strong evidence (ClinVar ID: VCV000865858, VCV001068031 / PMID: 33579689). Therefore, this variant is classified as likely pathogenic according to the recommendation of ACMG/AMP guideline.

Labcorp Genetics (formerly Invitae), Labcorp
Classification: Likely pathogenic for Leber congenital amaurosis 8; Retinitis pigmentosa 12. Last evaluated: 2024-01-29. Review status: criteria provided, single submitter. Criteria: Invitae Variant Classification Sherloc (09022015). Collection method: clinical testing. Allele origin: germline.
Comment: This sequence change replaces cysteine, which is neutral and slightly polar, with serine, which is neutral and polar, at codon 450 of the CRB1 protein (p.Cys450Ser). This variant is not present in population databases (gnomAD no frequency). This variant has not been reported in the literature in individuals affected with CRB1-related conditions. ClinVar contains an entry for this variant (Variation ID: 1470081). Advanced modeling of protein sequence and biophysical properties (such as structural, functional, and spatial information, amino acid conservation, physicochemical variation, residue mobility, and thermodynamic stability) performed at Invitae indicates that this missense variant is expected to disrupt CRB1 protein function with a positive predictive value of 80%. This variant disrupts the p.Cys450 amino acid residue in CRB1. Other variant(s) that disrupt this residue have been determined to be pathogenic (Invitae). This suggests that this residue is clinically significant, and that variants that disrupt this residue are likely to be disease-causing. In summary, the currently available evidence indicates that the variant is pathogenic, but additional data are needed to prove that conclusively. Therefore, this variant has been classified as Likely Pathogenic.

NM_201253.3(CRB1):c.1348T>A (p.Cys450Ser)

Gene: CRB1 (crumbs cell polarity complex component 1; plus strand). Cytogenetic location: 1q31.3.
Variant type: single nucleotide variant.
Coding change: c.1348T>A on transcript NM_201253.3 (MANE Select); coding-DNA position 1348, T replaced by A.
Protein change: p.Cys450Ser; replaces cysteine 450 with serine.
Molecular consequence: missense variant. On other transcripts: non-coding transcript variant (2).
Genome position (GRCh38, 1-based): chr1:197,421,176, T>A. VCF-style: chr1-197421176-T-A. GRCh37 (hg19) VCF-style: chr1-197390306-T-A.
Other names: c.1012T>A, p.Cys338Ser (NM_001193640.2); c.1141T>A, p.Cys381Ser (NM_001257965.2); c.1348T>A, p.Cys450Ser (NM_001257966.2); short protein forms C338S, C381S, C450S.
Identifiers: ClinVar variation 1470081 (VCV001470081.8), dbSNP rs1664290387, ClinGen allele CA344030486.